The following is an entry in ClinVar:

NM_000179.3(MSH6):c.3859delinsATTA (p.Tyr1287delinsIleAsn)

Gene: MSH6 (mutS homolog 6; plus strand). Cytogenetic location: 2p16.3.
Variant type: Indel.
Coding change: c.3859delinsATTA on transcript NM_000179.3 (MANE Select); coding-DNA position 3859, T replaced by ATTA.
Protein change: p.Tyr1287delinsIleAsn.
Molecular consequence: inframe indel.
Genome position (GRCh38, 1-based): chr2:47,806,509, T replaced by ATTA. VCF-style: chr2-47806509-T-ATTA. GRCh37 (hg19) VCF-style: chr2-48033648-T-ATTA.
Other names: c.3859delTinsATTA (NM_000179.2); c.3469delinsATTA, p.Tyr1157delinsIleAsn (NM_001281492.2); c.2953delinsATTA, p.Tyr985delinsIleAsn (NM_001281493.2, NM_001281494.2).
Identifiers: ClinVar variation 965200 (VCV000965200.12), dbSNP rs1670107084, ClinGen allele CA1139656981.

ClinVar aggregate classification (germline): Conflicting classifications of pathogenicity. Review status: criteria provided, conflicting classifications (1 of 4 stars). 3 submissions from 3 submitters: Likely pathogenic (1); Uncertain significance (2). Last evaluated 2025-05-07.

Conditions:
Hereditary nonpolyposis colorectal neoplasms. Identifiers: MedGen C0009405, MeSH D003123.
Hereditary cancer-predisposing syndrome. Also called: Hereditary neoplastic syndrome; Neoplastic Syndromes, Hereditary; Hereditary Cancer Syndrome; Tumor predisposition. Identifiers: Orphanet 140162, MedGen C0027672, MeSH D009386, MONDO:0015356.

Submissions (3):

Color Diagnostics, LLC DBA Color Health
Classification: Uncertain significance for Hereditary cancer-predisposing syndrome. Last evaluated: 2025-05-07. Review status: criteria provided, single submitter. Criteria: ACMG Guidelines, 2015. Collection method: clinical testing. Allele origin: germline.
Comment: This variant causes a replacement of tyrosine residue at codon 1287 of the MSH6 protein with isoleucine and asparagine residues. To our knowledge, functional studies have not been reported for this variant. This variant has not been reported in individuals affected with hereditary cancer in the literature. This variant has been reported in individuals whose Lynch syndrome-associated tumor demonstrated loss of MSH6 expression by immunohistochemistry (ClinVar SCV002624749.4). This variant has not been identified in the general population by the Genome Aggregation Database (gnomAD). Although there is a suspicion for a pathogenic role, the available evidence is insufficient to determine the role of this variant in disease conclusively. Therefore, this variant is classified as a Variant of Uncertain Significance.

Ambry Genetics
Classification: Likely pathogenic for Hereditary cancer-predisposing syndrome. Last evaluated: 2025-01-03. Review status: criteria provided, single submitter. Criteria: Ambry Variant Classification Scheme 2023. Collection method: clinical testing. Allele origin: germline.
Comment: The c.3859delTinsATTA variant (also known as p.Y1287delinsIN), located in coding exon 9 of the MSH6 gene, results from an in-frame deletion of T and insertion of ATTA at nucleotide position 3859. This results in the deletion of a tyrosine residue at codon 1287 and insertion of an isoleucine and asparagine residue. This variant has been identified in probands whose Lynch syndrome-associated tumor demonstrated loss of MSH6 expression by immunohistochemistry (Li S et al. J. Med. Genet. 2020 Jan;57:62-69; Ambry internal data). Based on internal structural analysis, Y1287delinsIN is predicted to disrupt an important interaction with ATP in the MutS domain V (Mao L et al. J Mol Biol, 2004 Feb;336:787-807; Warren JJ et al. Mol Cell, 2007 May;26:579-92; Ambry internal data). In addition, this alteration is predicted to be deleterious by in silico analysis (Choi Y et al. PLoS ONE. 2012; 7(10):e46688). Based on the majority of available evidence to date, this variant is likely to be pathogenic.

Labcorp Genetics (formerly Invitae), Labcorp
Classification: Uncertain significance for Hereditary nonpolyposis colorectal neoplasms. Last evaluated: 2024-07-25. Review status: criteria provided, single submitter. Criteria: Invitae Variant Classification Sherloc (09022015). Collection method: clinical testing. Allele origin: germline.
Comment: This variant, c.3859delinsATTA , results in the insertion of 1 amino acid(s) of the MSH6 protein (p.Tyr1287delinsIleAsn), but otherwise preserves the integrity of the reading frame. This variant is not present in population databases (gnomAD no frequency). This variant has not been reported in the literature in individuals affected with MSH6-related conditions. Experimental studies and prediction algorithms are not available or were not evaluated, and the functional significance of this variant is currently unknown. In summary, the available evidence is currently insufficient to determine the role of this variant in disease. Therefore, it has been classified as a Variant of Uncertain Significance.

Literature cited by the submitters: PubMed 15095988 (cited by Ambry Genetics); PubMed 17531815 (cited by Ambry Genetics).